The following is an entry in ClinVar:

ClinVar aggregate classification (germline): Benign (0 of 4 stars; one submission).

Conditions:
MUC16-related disorder. Also called: MUC16-related condition.

Allele frequency attached by ClinVar (database versions not stated): ExAC 0.00022; gnomAD exomes 0.03657; 1000 Genomes Project 30x 0.41724.

Submission:

PreventionGenetics, part of Exact Sciences
Classification: Benign for MUC16-related condition. Last evaluated: 2019-02-19. Review status: no assertion criteria provided. Collection method: clinical testing. Allele origin: germline.
Comment: This variant is classified as benign based on ACMG/AMP sequence variant interpretation guidelines (Richards et al. 2015 PMID: 25741868, with internal and published modifications).

NM_001401501.2(MUC16):c.39325-9T>C

Gene: MUC16 (mucin 16, cell surface associated; minus strand). Cytogenetic location: 19p13.2.
Variant type: single nucleotide variant.
Coding change: c.39325-9T>C on transcript NM_001401501.2 (MANE Select); 9 bases into the intron before coding-DNA position 39325, T replaced by C.
Molecular consequence: intron variant.
Genome position (GRCh38, 1-based): chr19:8,898,667, A>G on the plus strand (T>C on the coding strand, the complement: MUC16 is on the minus strand). VCF-style: chr19-8898667-A-G. GRCh37 (hg19) VCF-style: chr19-9009343-A-G.
Other names: c.39751-9T>C (NM_001414686.1); c.39205-9T>C (NM_001414687.1); c.39139-9T>C (NM_024690.2).
Identifiers: ClinVar variation 3038172 (VCV003038172.2), dbSNP rs757637667, ClinGen allele CA9164180.